The following is an entry in ClinVar:

ClinVar aggregate classification (germline): Uncertain significance (1 of 4 stars; one submission).

Conditions:
Intellectual developmental disorder, X-linked, syndromic, Claes-Jensen type. Also called: INTELLECTUAL DEVELOPMENTAL DISORDER, X-LINKED, SYNDROMIC 16; MENTAL RETARDATION, X-LINKED, SYNDROMIC 16; Syndromic X-linked intellectual disability Claes-Jensen type. Identifiers: Orphanet 85279, MedGen C1845243, MONDO:0010355, OMIM 300534.

Submission:

Broad Center for Mendelian Genomics, Broad Institute of MIT and Harvard
Classification: Uncertain significance for Intellectual developmental disorder, X-linked, syndromic, Claes-Jensen type. Last evaluated: 2024-11-22. Review status: criteria provided, single submitter. Criteria: ACMG Guidelines, 2015. Collection method: curation. Allele origin: germline. Inheritance: Autosomal recessive inheritance. Study: GREGoR Consortium.
Comment: The p.Tyr1045Phe variant in KDM5C has not been previously reported in the literature in individuals with X-linked intellectual disability, and was absent from large population studies. Computational prediction tools and conservation analyses do not provide strong support for or against an impact to the protein. The number of missense variants reported in KDM5C in the general population is lower than expected, suggesting there is little benign variation in this gene and slightly increasing the possibility that a missense variant in this gene may not be tolerated. In summary, the clinical significance of the p.Tyr1045Phe variant is uncertain. ACMG/AMP Criteria applied: PP2, PM2_supporting (Richards 2015).

NM_004187.5(KDM5C):c.3134A>T (p.Tyr1045Phe)

Gene: KDM5C (lysine demethylase 5C; minus strand). Cytogenetic location: Xp11.22.
Variant type: single nucleotide variant.
Coding change: c.3134A>T on transcript NM_004187.5 (MANE Select); coding-DNA position 3134, A replaced by T.
Protein change: p.Tyr1045Phe; replaces tyrosine 1045 with phenylalanine.
Molecular consequence: missense variant. On other transcripts: non-coding transcript variant (3).
Genome position (GRCh38, 1-based): chrX:53,195,397, T>A on the plus strand (A>T on the coding strand, the complement: KDM5C is on the minus strand). VCF-style: chrX-53195397-T-A. GRCh37 (hg19) VCF-style: chrX-53224579-T-A.
Other names: NM_001353984.2:c.3134A>T; c.2933A>T, p.Tyr978Phe (NM_001146702.2); c.3131A>T, p.Tyr1044Phe (NM_001282622.3, NM_001353979.2, NM_001353982.2); c.3134A>T, p.Tyr1045Phe (NM_001353978.3, NM_001353981.2, NM_001353984.2); short protein forms Y1044F, Y1045F, Y978F.
Identifiers: ClinVar variation 3383276 (VCV003383276.1).
Genomic context (GRCh38, chrX:53,195,397, plus strand): 5'-AGCCCCACAGGTAGGTCCCGGCCCACAGCTACTAGGCCCTCCAAGTCATCCAGGCAGGGG[T>A]AGTGGTCACCATTCTAAGGCCAAGGGCGAGAGACAGCTCAGTTCAACTTGCCAATGCTAT-3'
Protein context (NP_004178.2, residues 1035-1055): DVDEIQNGDH[Tyr1045Phe]PCLDDLEGLV